The following is an entry in ClinVar:

ClinVar aggregate classification (germline): Benign/Likely benign. Review status: criteria provided, multiple submitters, no conflicts (2 of 4 stars). 4 submissions from 4 submitters: Benign (3); Likely benign (1). Last evaluated 2025-12-25.

Conditions:
Dextro-looped transposition of the great arteries. Also called: Dextrotransposition of the great arteries. Identifiers: Orphanet 860, MedGen C3531771, MONDO:0019443, OMIM 608808, HP:0031348.

Allele frequency attached by ClinVar (database versions not stated): ESP Exome Variant Server 0.00040; gnomAD 0.00043 and 0.00048; TOPMed 0.00045; ExAC 0.00050.

Submissions (4):

Labcorp Genetics (formerly Invitae), Labcorp
Classification: Benign for Dextro-looped transposition of the great arteries. Last evaluated: 2025-12-25. Review status: criteria provided, single submitter. Criteria: Invitae Variant Classification Sherloc (09022015). Collection method: clinical testing. Allele origin: germline.

CeGaT Center for Human Genetics Tuebingen
Classification: Likely benign. Last evaluated: 2023-12-01. Review status: criteria provided, single submitter. Criteria: CeGaT Center For Human Genetics Tuebingen Variant Classification Criteria Version 2. Collection method: clinical testing. Allele origin: germline. Affected: yes. Observed: 1 variant allele.
Comment: MED13L: BP4, BP7, BS1

GeneDx
Classification: Benign. Last evaluated: 2021-01-18. Review status: criteria provided, single submitter. Criteria: GeneDx Variant Classification Process June 2021. Collection method: clinical testing. Allele origin: germline. Affected: yes.

Breakthrough Genomics
Classification: Benign. Review status: criteria provided, single submitter. Criteria: ACMG Guidelines, 2015. Collection method: not provided. Allele origin: germline. Inheritance: Autosomal dominant inheritance. Affected: yes.

NM_015335.5(MED13L):c.40C>T (p.Leu14=)

Gene: MED13L (mediator complex subunit 13L; minus strand). Cytogenetic location: 12q24.21.
Variant type: single nucleotide variant.
Coding change: c.40C>T on transcript NM_015335.5 (MANE Select); coding-DNA position 40, C replaced by T.
Protein change: p.Leu14=; no amino-acid change (leucine 14 retained).
Molecular consequence: synonymous variant.
Genome position (GRCh38, 1-based): chr12:116,277,092, G>A on the plus strand (C>T on the coding strand, the complement: MED13L is on the minus strand). VCF-style: chr12-116277092-G-A. GRCh37 (hg19) VCF-style: chr12-116714897-G-A.
Identifiers: ClinVar variation 533127 (VCV000533127.33), dbSNP rs148454293, ClinGen allele CA6811867.
Genomic context (GRCh38, chr12:116,277,092, plus strand): 5'-GCCCCCTCCCCGCAGCCCGGCTACTCACCAGCGAAAAGAGGTTGGAGTGACAATCCTCCA[G>A]GCTCGCCCCGTTCGCCACCCAGTTCGCTGCCGCAGTCATGATCCTCCGCGAGCCCGGCCG-3'
Protein context (NP_056150.1, residues 4-24): AANWVANGAS[Leu14=]EDCHSNLFSL